The following is an entry in ClinVar:

ClinVar aggregate classification (germline): Uncertain significance (1 of 4 stars; one submission).

Submission:

Labcorp Genetics (formerly Invitae), Labcorp
Classification: Uncertain significance. Last evaluated: 2023-02-03. Review status: criteria provided, single submitter. Criteria: Invitae Variant Classification Sherloc (09022015). Collection method: clinical testing. Allele origin: germline.
Comment: This sequence change replaces alanine, which is neutral and non-polar, with glutamic acid, which is acidic and polar, at codon 191 of the ALPK3 protein (p.Ala191Glu). This variant is not present in population databases (gnomAD no frequency). This variant has not been reported in the literature in individuals affected with ALPK3-related conditions. Algorithms developed to predict the effect of missense changes on protein structure and function are either unavailable or do not agree on the potential impact of this missense change (SIFT: "Deleterious"; PolyPhen-2: "Benign"; Align-GVGD: "Class C0"). In summary, the available evidence is currently insufficient to determine the role of this variant in disease. Therefore, it has been classified as a Variant of Uncertain Significance.

NM_020778.5(ALPK3):c.-35C>A

Gene: ALPK3 (alpha kinase 3; plus strand). Cytogenetic location: 15q25.3.
Variant type: single nucleotide variant.
Coding change: c.-35C>A on transcript NM_020778.5 (MANE Select); 35 bases upstream of the start codon, C replaced by A.
Molecular consequence: 5 prime UTR variant.
Genome position (GRCh38, 1-based): chr15:84,817,418, C>A. VCF-style: chr15-84817418-C-A. GRCh37 (hg19) VCF-style: chr15-85360649-C-A.
Identifiers: ClinVar variation 2834048 (VCV002834048.3), dbSNP rs1963371933, ClinGen allele CA393369188.